The following is an entry in ClinVar:

NM_001130438.3(SPTAN1):c.4827C>G (p.Asp1609Glu)

Gene: SPTAN1 (spectrin alpha, non-erythrocytic 1; plus strand). Cytogenetic location: 9q34.11.
Variant type: single nucleotide variant.
Coding change: c.4827C>G on transcript NM_001130438.3 (MANE Select); coding-DNA position 4827, C replaced by G.
Protein change: p.Asp1609Glu; replaces aspartic acid 1609 with glutamic acid.
Molecular consequence: missense variant.
Genome position (GRCh38, 1-based): chr9:128,611,767, C>G. VCF-style: chr9-128611767-C-G. GRCh37 (hg19) VCF-style: chr9-131374046-C-G.
Other names: c.4752C>G, p.Asp1584Glu (NM_001195532.2); c.4827C>G, p.Asp1609Glu (NM_001363759.2, NM_001375310.1, NM_001375311.2 and 1 more transcripts); c.4767C>G, p.Asp1589Glu (NM_001363765.2, NM_001375314.2); c.4863C>G, p.Asp1621Glu (NM_001375312.2, NM_001375318.1); c.4812C>G, p.Asp1604Glu (NM_003127.4); short protein forms D1584E, D1609E, D1589E, D1621E, D1604E.
Identifiers: ClinVar variation 1743393 (VCV001743393.2), dbSNP rs2541834066, ClinGen allele CA375070347.

ClinVar aggregate classification (germline): Uncertain significance (1 of 4 stars; one submission).

Conditions:
Inborn genetic diseases. Identifiers: MedGen C0950123, MeSH D030342.

Submission:

Ambry Genetics
Classification: Uncertain significance for Inborn genetic diseases. Last evaluated: 2019-09-16. Review status: criteria provided, single submitter. Criteria: Ambry Variant Classification Scheme 2023. Collection method: clinical testing. Allele origin: germline.
Comment: The p.D1609E variant (also known as c.4827C>G), located in coding exon 37 of the SPTAN1 gene, results from a C to G substitution at nucleotide position 4827. The aspartic acid at codon 1609 is replaced by glutamic acid, an amino acid with highly similar properties. This amino acid position is highly conserved in available vertebrate species. In addition, this alteration is predicted to be tolerated by in silico analysis. Since supporting evidence is limited at this time, the clinical significance of this alteration remains unclear.